The following is an entry in ClinVar:

NM_000051.4(ATM):c.6573-17_6573-16insCCCT

Genes: C11orf65 (chromosome 11 open reading frame 65; minus strand), ATM (ATM serine/threonine kinase; plus strand). Cytogenetic location: 11q22.3.
Variant type: Insertion.
Coding change: c.6573-17_6573-16insCCCT on transcript NM_000051.4 (MANE Select); 17 bases into the intron before coding-DNA position 6573 through 16 bases into the intron before coding-DNA position 6573, CCCT inserted.
Molecular consequence: intron variant.
Genome position: GRCh38 VCF-style: chr11-108325291-T-TCTCC. GRCh37 (hg19) VCF-style: chr11-108196018-T-TCTCC.
Other names: c.6573-17_6573-16insCCCT (NM_001351834.2); c.641-16221_641-16220insAGGG (NM_001330368.2); c.*38+9928_*38+9929insAGGG (NM_001351110.2).
Identifiers: ClinVar variation 3254355 (VCV003254355.3), dbSNP rs2085544604.
Genomic context (GRCh38, chr11:108,325,291, plus strand): 5'-AGTTCCAGAACTTACATAGTTTTTTTTTTTTTTTTTTTCATTTCTCTTGCTTACATGAAC[T>TCTCC]CTATGTCGTGGCATTCAGATCAGTCACACATAGACAACTCTCTGAAGTATATATTAAGTG-3'

ClinVar aggregate classification (germline): Likely benign. Review status: criteria provided, multiple submitters, no conflicts (2 of 4 stars). 2 submissions from 2 submitters: Likely benign (2). Last evaluated 2024-09-29.

Conditions:
Ataxia-telangiectasia syndrome (AT). Also called: Ataxia-telangiectasia; Ataxia-telangiectasia, complementation group D; AT, COMPLEMENTATION GROUP C; Ataxia-telangiectasia, complementation group E; LOUIS-BAR SYNDROME; Cerebello-oculocutaneous telangiectasia. Identifiers: Orphanet 100, MedGen C0004135, MONDO:0008840, OMIM 208900.
Familial cancer of breast. Also called: hereditary breast carcinoma; BREAST CANCER, FAMILIAL; Hereditary breast cancer. Identifiers: Orphanet 227535, MedGen C0346153, MONDO:0016419, OMIM 114480. Disease mechanism: loss of function.

Submissions (2):

Labcorp Genetics (formerly Invitae), Labcorp
Classification: Likely benign for Ataxia-telangiectasia syndrome. Last evaluated: 2024-09-29. Review status: criteria provided, single submitter. Criteria: Invitae Variant Classification Sherloc (09022015). Collection method: clinical testing. Allele origin: germline.

Myriad Genetics, Inc.
Classification: Likely benign for Familial cancer of breast. Last evaluated: 2024-06-07. Review status: criteria provided, single submitter. Criteria: Myriad Autosomal Dominant, Autosomal Recessive and X-Linked Classification Criteria (2023). Collection method: clinical testing. Allele origin: unknown.
Comment: This variant is considered likely benign. This variant is intronic and is not expected to impact mRNA splicing.